The following is an entry in ClinVar:

NM_005585.5(SMAD6):c.683G>A (p.Arg228His)

Gene: SMAD6 (SMAD family member 6; plus strand). Cytogenetic location: 15q22.31.
Variant type: single nucleotide variant.
Coding change: c.683G>A on transcript NM_005585.5 (MANE Select); coding-DNA position 683, G replaced by A.
Protein change: p.Arg228His; replaces arginine 228 with histidine.
Molecular consequence: missense variant. On other transcripts: non-coding transcript variant (1).
Genome position (GRCh38, 1-based): chr15:66,703,941, G>A. VCF-style: chr15-66703941-G-A. GRCh37 (hg19) VCF-style: chr15-66996279-G-A.
Other names: short protein forms R228H.
Identifiers: ClinVar variation 641172 (VCV000641172.8), dbSNP rs1439907263, ClinGen allele CA392950032.

ClinVar aggregate classification (germline): Uncertain significance (1 of 4 stars; one submission).

Conditions:
Aortic valve disease 2 (AOVD2). Identifiers: MedGen C3542024, MONDO:0013902, OMIM 614823.

gnomAD v4.1: 9 of 1,382,866 alleles (0.00065%); highest among the groups gnomAD compares: South Asian, 0.0016%; no homozygotes.

Submission:

Labcorp Genetics (formerly Invitae), Labcorp
Classification: Uncertain significance for Aortic valve disease 2. Last evaluated: 2024-10-08. Review status: criteria provided, single submitter. Criteria: Invitae Variant Classification Sherloc (09022015). Collection method: clinical testing. Allele origin: germline.
Comment: This sequence change replaces arginine, which is basic and polar, with histidine, which is basic and polar, at codon 228 of the SMAD6 protein (p.Arg228His). The frequency data for this variant in the population databases is considered unreliable, as metrics indicate poor data quality at this position in the gnomAD database. This variant has not been reported in the literature in individuals affected with SMAD6-related conditions. ClinVar contains an entry for this variant (Variation ID: 641172). Invitae Evidence Modeling of protein sequence and biophysical properties (such as structural, functional, and spatial information, amino acid conservation, physicochemical variation, residue mobility, and thermodynamic stability) indicates that this missense variant is not expected to disrupt SMAD6 protein function with a negative predictive value of 80%. In summary, the available evidence is currently insufficient to determine the role of this variant in disease. Therefore, it has been classified as a Variant of Uncertain Significance.